The following is an entry in ClinVar:

NM_001368894.2(PAX6):c.761G>A (p.Arg254Gln)

Gene: PAX6 (paired box 6; minus strand). Cytogenetic location: 11p13.
Variant type: single nucleotide variant.
Coding change: c.761G>A on transcript NM_001368894.2 (MANE Select); coding-DNA position 761, G replaced by A.
Protein change: p.Arg254Gln; replaces arginine 254 with glutamine.
Molecular consequence: missense variant.
Genome position (GRCh38, 1-based): chr11:31,794,078, C>T on the plus strand (G>A on the coding strand, the complement: PAX6 is on the minus strand). VCF-style: chr11-31794078-C-T. GRCh37 (hg19) VCF-style: chr11-31815626-C-T.
Other names: c.719G>A, p.Arg240Gln (NM_000280.6, NM_001127612.3, NM_001258464.2 and 10 more transcripts); c.761G>A, p.Arg254Gln (NM_001258462.3, NM_001258463.2, NM_001310158.2 and 6 more transcripts); c.311G>A, p.Arg104Gln (NM_001310160.2, NM_001310161.3, NM_001368899.2 and 11 more transcripts); c.962G>A, p.Arg321Gln (NM_001368910.2); c.764G>A, p.Arg255Gln (NM_001368911.2); c.836G>A, p.Arg279Gln (NM_001368918.2, NM_001368919.2); c.794G>A, p.Arg265Gln (NM_001368920.2); c.560G>A, p.Arg187Gln (NM_001368921.2, NM_001368922.2, NM_001368923.2 and 4 more transcripts); and 2 more; short protein forms R104Q, R173Q, R187Q, R240Q, R254Q, R255Q, R265Q, R279Q.
Identifiers: ClinVar variation 1314316 (VCV001314316.13), dbSNP rs2134611494, ClinGen allele CA379956701.

ClinVar aggregate classification (germline): Conflicting classifications of pathogenicity. Review status: criteria provided, conflicting classifications (1 of 4 stars). 3 submissions from 3 submitters: Likely pathogenic (1); Uncertain significance (2). Last evaluated 2024-11-05.

Conditions:
Congenital aniridia. Also called: Aniridia. Identifiers: MedGen C0003076, MONDO:0019172, HP:0000526.
Aniridia 1 (AN1). Identifiers: Orphanet 250923, MedGen C0344542, MONDO:0024507, OMIM 106210.
Irido-corneo-trabecular dysgenesis (ASGD5). Also called: ANTERIOR SEGMENT DYSGENESIS 5. Identifiers: Orphanet 708, MedGen C0344559, MONDO:0011414, OMIM 604229, HP:0000659.

Submissions (3):

Labcorp Genetics (formerly Invitae), Labcorp
Classification: Uncertain significance for Aniridia 1; Irido-corneo-trabecular dysgenesis. Last evaluated: 2024-11-05. Review status: criteria provided, single submitter. Criteria: Invitae Variant Classification Sherloc (09022015). Collection method: clinical testing. Allele origin: germline.
Comment: This sequence change replaces arginine, which is basic and polar, with glutamine, which is neutral and polar, at codon 240 of the PAX6 protein (p.Arg240Gln). This variant is not present in population databases (gnomAD no frequency). This variant has not been reported in the literature in individuals affected with PAX6-related conditions. ClinVar contains an entry for this variant (Variation ID: 1314316). Invitae Evidence Modeling of protein sequence and biophysical properties (such as structural, functional, and spatial information, amino acid conservation, physicochemical variation, residue mobility, and thermodynamic stability) indicates that this missense variant is expected to disrupt PAX6 protein function with a positive predictive value of 80%. In summary, the available evidence is currently insufficient to determine the role of this variant in disease. Therefore, it has been classified as a Variant of Uncertain Significance.

University of Washington Department of Laboratory Medicine, University of Washington
Classification: Likely pathogenic for Aniridia 1; Irido-corneo-trabecular dysgenesis. Last evaluated: 2021-08-25. Review status: criteria provided, single submitter. Criteria: ACMG Guidelines, 2015. Collection method: clinical testing. Allele origin: de novo. Affected: yes.
Comment: This variant is absent from large population databases, including the Genome Aggregation Database. In silico tools predict that this variant is deleterious; however, these predictions have not been tested directly. Using ACMG guidelines, this variant was classified as likely pathogenic for autosomal dominant PAX6-related aniridia (ACMG evidence codes used: PS2, PM2_supporting, and PP3).

GeneDx
Classification: Uncertain significance. Last evaluated: 2021-04-06. Review status: criteria provided, single submitter. Criteria: GeneDx Variant Classification Process June 2021. Collection method: clinical testing. Allele origin: germline. Affected: yes.
Comment: Not observed in large population cohorts (Lek et al., 2016); In silico analysis supports that this missense variant has a deleterious effect on protein structure/function; Has not been previously published as pathogenic or benign to our knowledge